The following is an entry in ClinVar:

ClinVar aggregate classification (germline): Uncertain significance. Review status: criteria provided, multiple submitters, no conflicts (2 of 4 stars). 4 submissions from 4 submitters: Uncertain significance (3). 1 of the submissions does not count toward it. Last evaluated 2025-01-15.

Conditions:
Inborn genetic diseases. Identifiers: MedGen C0950123, MeSH D030342.

Allele frequency attached by ClinVar (database versions not stated): gnomAD exomes below 0.00001; TOPMed 0.00001.
gnomAD v4.1: 8 of 1,610,094 alleles (0.0005%); highest among the groups gnomAD compares: East Asian, 0.0067%; no homozygotes.

Submissions (4):

Ambry Genetics
Classification: Uncertain significance for Inborn genetic diseases. Last evaluated: 2025-01-15. Review status: criteria provided, single submitter. Criteria: Ambry Variant Classification Scheme 2023. Collection method: clinical testing. Allele origin: germline.

Blueprint Genetics
Classification: Uncertain significance. Last evaluated: 2023-09-19. Review status: criteria provided, single submitter. Criteria: ACMG Guidelines, 2015. Collection method: clinical testing. Allele origin: germline.

GeneDx
Classification: Uncertain significance. Last evaluated: 2023-04-10. Review status: criteria provided, single submitter. Criteria: GeneDx Variant Classification Process June 2021. Collection method: clinical testing. Allele origin: germline. Affected: yes.
Comment: Not observed at significant frequency in large population cohorts (gnomAD); In silico analysis supports that this missense variant has a deleterious effect on protein structure/function; Has not been previously published as pathogenic or benign to our knowledge

Gharavi Laboratory, Columbia University
Classification: Uncertain significance. Last evaluated: 2018-09-16. Review status: no assertion criteria provided. Criteria: ACMG Guidelines, 2015. Collection method: research. Allele origin: germline. Affected: yes. Not counted in ClinVar's aggregate classification.

NM_020779.4(WDR35):c.1408C>G (p.His470Asp)

Gene: WDR35 (WD repeat domain 35; minus strand). Cytogenetic location: 2p24.1.
Variant type: single nucleotide variant.
Coding change: c.1408C>G on transcript NM_020779.4 (MANE Select); coding-DNA position 1408, C replaced by G.
Protein change: p.His470Asp; replaces histidine 470 with aspartic acid.
Molecular consequence: missense variant.
Genome position (GRCh38, 1-based): chr2:19,951,477, G>C on the plus strand (C>G on the coding strand, the complement: WDR35 is on the minus strand). VCF-style: chr2-19951477-G-C. GRCh37 (hg19) VCF-style: chr2-20151238-G-C.
Other names: c.1441C>G, p.His481Asp (NM_001006657.2); c.1441C>G (NM_001006657.1); short protein forms H481D, H470D.
Identifiers: ClinVar variation 591777 (VCV000591777.4), dbSNP rs1558340974, ClinGen allele CA345945424.